The following is an entry in ClinVar:

NM_000274.4(OAT):c.792A>T (p.Glu264Asp)

Gene: OAT (ornithine aminotransferase; minus strand). Cytogenetic location: 10q26.13.
Variant type: single nucleotide variant.
Coding change: c.792A>T on transcript NM_000274.4 (MANE Select); coding-DNA position 792, A replaced by T.
Protein change: p.Glu264Asp; replaces glutamic acid 264 with aspartic acid.
Molecular consequence: missense variant.
Genome position (GRCh38, 1-based): chr10:124,403,035, T>A on the plus strand (A>T on the coding strand, the complement: OAT is on the minus strand). VCF-style: chr10-124403035-T-A. GRCh37 (hg19) VCF-style: chr10-126091604-T-A.
Other names: c.792A>T, p.Glu264Asp (NM_001322969.2, NM_001322970.2, NM_001322965.2 and 3 more transcripts); c.471A>T, p.Glu157Asp (NM_001322971.2); c.192A>T, p.Glu64Asp (NM_001322974.2); c.378A>T, p.Glu126Asp (NM_001171814.2); short protein forms E157D, E264D, E126D, E64D.
Identifiers: ClinVar variation 1357031 (VCV001357031.8), dbSNP rs1174503043, ClinGen allele CA378635604.
Genomic context (GRCh38, chr10:124,403,035, plus strand): 5'-TCTGACATTTTCATAATCAACAGCCAGCCATCTACCAGTTCTGGCCAATCCTGTCTGTAT[T>A]TCATCAGCAATAAAGAGAACCTATTGGGGAAAAAAAATACCCCTATTAGTGATCACTTTC-3'
Protein context (NP_000265.1, residues 254-274): TRHQVLFIAD[Glu264Asp]IQTGLARTGR

ClinVar aggregate classification (germline): Uncertain significance (1 of 4 stars; one submission).

Conditions:
Ornithine aminotransferase deficiency (GACR). Also called: OKT DEFICIENCY; HYPERORNITHINEMIA WITH GYRATE ATROPHY OF CHOROID AND RETINA; Ornithine ketoacid aminotransferase deficiency; Gyrate atrophy; Gyrate atrophy of choroid and retina; Girate atrophy of the retina. Identifiers: Orphanet 414, MedGen C0018425, MONDO:0009796, OMIM 258870.

Allele frequency attached by ClinVar (database versions not stated): gnomAD exomes below 0.00001.
gnomAD v4.1: 1 of 1,614,158 alleles (0.000062%); highest among the groups gnomAD compares: African/African-American, 0.0013%; no homozygotes.

Submission:

Labcorp Genetics (formerly Invitae), Labcorp
Classification: Uncertain significance for Ornithine aminotransferase deficiency. Last evaluated: 2022-11-15. Review status: criteria provided, single submitter. Criteria: Invitae Variant Classification Sherloc (09022015). Collection method: clinical testing. Allele origin: germline.
Comment: This sequence change replaces glutamic acid, which is acidic and polar, with aspartic acid, which is acidic and polar, at codon 264 of the OAT protein (p.Glu264Asp). This variant is present in population databases (no rsID available, gnomAD 0.007%). This variant has not been reported in the literature in individuals affected with OAT-related conditions. ClinVar contains an entry for this variant (Variation ID: 1357031). Advanced modeling of protein sequence and biophysical properties (such as structural, functional, and spatial information, amino acid conservation, physicochemical variation, residue mobility, and thermodynamic stability) performed at Invitae indicates that this missense variant is expected to disrupt OAT protein function. In summary, the available evidence is currently insufficient to determine the role of this variant in disease. Therefore, it has been classified as a Variant of Uncertain Significance.